The following is an entry in ClinVar:

NM_032119.4(ADGRV1):c.3628A>C (p.Ile1210Leu)

Gene: ADGRV1 (adhesion G protein-coupled receptor V1; plus strand). Cytogenetic location: 5q14.3.
Variant type: single nucleotide variant.
Coding change: c.3628A>C on transcript NM_032119.4 (MANE Select); coding-DNA position 3628, A replaced by C.
Protein change: p.Ile1210Leu; replaces isoleucine 1210 with leucine.
Molecular consequence: missense variant. On other transcripts: non-coding transcript variant (1).
Genome position (GRCh38, 1-based): chr5:90,652,557, A>C. VCF-style: chr5-90652557-A-C. GRCh37 (hg19) VCF-style: chr5-89948374-A-C.
Other names: short protein forms I1210L.
Identifiers: ClinVar variation 1494038 (VCV001494038.3), dbSNP rs1306513848, ClinGen allele CA360398013.

ClinVar aggregate classification (germline): Uncertain significance (1 of 4 stars; one submission).

Allele frequency attached by ClinVar (database versions not stated): gnomAD exomes below 0.00001; gnomAD 0.00002; TOPMed 0.00005.
gnomAD v4.1: 4 of 1,588,232 alleles (0.00025%); highest among the groups gnomAD compares: Admixed American, 0.0051%; no homozygotes.

Submission:

Labcorp Genetics (formerly Invitae), Labcorp
Classification: Uncertain significance. Last evaluated: 2022-09-01. Review status: criteria provided, single submitter. Criteria: Invitae Variant Classification Sherloc (09022015). Collection method: clinical testing. Allele origin: germline.
Comment: This sequence change replaces isoleucine, which is neutral and non-polar, with leucine, which is neutral and non-polar, at codon 1210 of the ADGRV1 protein (p.Ile1210Leu). This variant is present in population databases (no rsID available, gnomAD 0.003%). This variant has not been reported in the literature in individuals affected with ADGRV1-related conditions. ClinVar contains an entry for this variant (Variation ID: 1494038). Algorithms developed to predict the effect of missense changes on protein structure and function (SIFT, PolyPhen-2, Align-GVGD) all suggest that this variant is likely to be tolerated. In summary, the available evidence is currently insufficient to determine the role of this variant in disease. Therefore, it has been classified as a Variant of Uncertain Significance.